The following is an entry in ClinVar:

ClinVar aggregate classification (germline): Uncertain significance (1 of 4 stars; one submission).

Allele frequency attached by ClinVar (database versions not stated): TOPMed below 0.00001; ExAC 0.00002; gnomAD exomes 0.00001.
gnomAD v4.1: 12 of 1,613,100 alleles (0.00074%); highest among the groups gnomAD compares: Non-Finnish European, 0.001%; no homozygotes.

Submission:

Labcorp Genetics (formerly Invitae), Labcorp
Classification: Uncertain significance. Last evaluated: 2025-01-27. Review status: criteria provided, single submitter. Criteria: Invitae Variant Classification Sherloc (09022015). Collection method: clinical testing. Allele origin: germline.
Comment: This sequence change replaces valine, which is neutral and non-polar, with aspartic acid, which is acidic and polar, at codon 1169 of the HMCN1 protein (p.Val1169Asp). This variant is present in population databases (rs749988314, gnomAD 0.004%). This variant has not been reported in the literature in individuals affected with HMCN1-related conditions. ClinVar contains an entry for this variant (Variation ID: 2990758). An algorithm developed to predict the effect of missense changes on protein structure and function (PolyPhen-2) suggests that this variant is likely to be disruptive. In summary, the available evidence is currently insufficient to determine the role of this variant in disease. Therefore, it has been classified as a Variant of Uncertain Significance.

NM_031935.3(HMCN1):c.3506T>A (p.Val1169Asp)

Gene: HMCN1 (hemicentin 1; plus strand). Cytogenetic location: 1q31.1.
Variant type: single nucleotide variant.
Coding change: c.3506T>A on transcript NM_031935.3 (MANE Select); coding-DNA position 3506, T replaced by A.
Protein change: p.Val1169Asp; replaces valine 1169 with aspartic acid.
Molecular consequence: missense variant.
Genome position (GRCh38, 1-based): chr1:185,994,815, T>A. VCF-style: chr1-185994815-T-A. GRCh37 (hg19) VCF-style: chr1-185963947-T-A.
Other names: short protein forms V1169D.
Identifiers: ClinVar variation 2990758 (VCV002990758.3), dbSNP rs749988314, ClinGen allele CA1291754.
Genomic context (GRCh38, chr1:185,994,815, plus strand): 5'-AGTGAGTAAAGAAAGGAATTTGTGAAAGTTGGATTATTAATACCCAGTTATTATTTCTAG[T>A]TCCTCCAAAGATACAGCGTGGACCTAAACATCTCAAAGTCCAAGTTGGTCAAAGAGTGGA-3'
Protein context (NP_114141.2, residues 1159-1179): VTQAVKLNVH[Val1169Asp]PPKIQRGPKH